The following is an entry in ClinVar:

ClinVar aggregate classification (germline): Uncertain significance (1 of 4 stars; one submission).

Allele frequency attached by ClinVar (database versions not stated): TOPMed 0.00002; ExAC 0.00003; gnomAD exomes 0.00003; gnomAD 0.00005; ESP Exome Variant Server 0.00023.
gnomAD v4.1: 45 of 1,611,810 alleles (0.0028%); highest among the groups gnomAD compares: Admixed American, 0.005%; no homozygotes.

Submission:

Labcorp Genetics (formerly Invitae), Labcorp
Classification: Uncertain significance. Last evaluated: 2022-01-17. Review status: criteria provided, single submitter. Criteria: Invitae Variant Classification Sherloc (09022015). Collection method: clinical testing. Allele origin: germline.
Comment: In summary, the available evidence is currently insufficient to determine the role of this variant in disease. Therefore, it has been classified as a Variant of Uncertain Significance. This sequence change replaces arginine, which is basic and polar, with glutamine, which is neutral and polar, at codon 318 of the MAPKBP1 protein (p.Arg318Gln). This variant is present in population databases (rs150872011, gnomAD 0.004%). This variant has not been reported in the literature in individuals affected with MAPKBP1-related conditions. Algorithms developed to predict the effect of missense changes on protein structure and function are either unavailable or do not agree on the potential impact of this missense change (SIFT: "Tolerated"; PolyPhen-2: "Possibly Damaging"; Align-GVGD: "Class C0").

NM_014994.3(MAPKBP1):c.935G>A (p.Arg312Gln)

Gene: MAPKBP1 (mitogen-activated protein kinase binding protein 1; plus strand). Cytogenetic location: 15q15.1.
Variant type: single nucleotide variant.
Coding change: c.935G>A on transcript NM_014994.3 (MANE Select); coding-DNA position 935, G replaced by A.
Protein change: p.Arg312Gln; replaces arginine 312 with glutamine.
Molecular consequence: missense variant. On other transcripts: non-coding transcript variant (2).
Genome position (GRCh38, 1-based): chr15:41,813,736, G>A. VCF-style: chr15-41813736-G-A. GRCh37 (hg19) VCF-style: chr15-42105934-G-A.
Other names: c.953G>A, p.Arg318Gln (NM_001128608.2); c.935G>A, p.Arg312Gln (NM_001265611.2); short protein forms R318Q, R312Q.
Identifiers: ClinVar variation 2200003 (VCV002200003.4), dbSNP rs150872011, ClinGen allele CA7497702.